The following is an entry in ClinVar:

ClinVar aggregate classification (germline): Uncertain significance (1 of 4 stars; one submission).

Conditions:
3-hydroxy-3-methylglutaryl-CoA synthase deficiency (HMGCS2D). Also called: HMG-CoA synthase-2 deficiency; MITOCHONDRIAL HMG-CoA SYNTHASE DEFICIENCY; HMGCS2 DEFICIENCY. Identifiers: Orphanet 35701, MedGen C2751532, MONDO:0011614, OMIM 605911.

Allele frequency attached by ClinVar (database versions not stated): gnomAD exomes below 0.00001; TOPMed below 0.00001.
gnomAD v4.1: 1 of 1,614,064 alleles (0.000062%); highest among the groups gnomAD compares: Admixed American, 0.0017%; no homozygotes.

Submission:

Labcorp Genetics (formerly Invitae), Labcorp
Classification: Uncertain significance for 3-hydroxy-3-methylglutaryl-CoA synthase deficiency. Last evaluated: 2022-03-22. Review status: criteria provided, single submitter. Criteria: Invitae Variant Classification Sherloc (09022015). Collection method: clinical testing. Allele origin: germline.
Comment: In summary, the available evidence is currently insufficient to determine the role of this variant in disease. Therefore, it has been classified as a Variant of Uncertain Significance. Algorithms developed to predict the effect of missense changes on protein structure and function are either unavailable or do not agree on the potential impact of this missense change (SIFT: "Tolerated"; PolyPhen-2: "Probably Damaging"; Align-GVGD: "Class C0"). ClinVar contains an entry for this variant (Variation ID: 470720). This variant has not been reported in the literature in individuals affected with HMGCS2-related conditions. This variant is present in population databases (no rsID available, gnomAD 0.003%). This sequence change replaces serine, which is neutral and polar, with alanine, which is neutral and non-polar, at codon 360 of the HMGCS2 protein (p.Ser360Ala).

NM_005518.4(HMGCS2):c.1078T>G (p.Ser360Ala)

Gene: HMGCS2 (3-hydroxy-3-methylglutaryl-CoA synthase 2; minus strand). Cytogenetic location: 1p12.
Variant type: single nucleotide variant.
Coding change: c.1078T>G on transcript NM_005518.4 (MANE Select); coding-DNA position 1078, T replaced by G.
Protein change: p.Ser360Ala; replaces serine 360 with alanine.
Molecular consequence: missense variant.
Genome position (GRCh38, 1-based): chr1:119,755,536, A>C on the plus strand (T>G on the coding strand, the complement: HMGCS2 is on the minus strand). VCF-style: chr1-119755536-A-C. GRCh37 (hg19) VCF-style: chr1-120298159-A-C.
Other names: c.952T>G, p.Ser318Ala (NM_001166107.1); short protein forms S318A, S360A.
Identifiers: ClinVar variation 470720 (VCV000470720.8), dbSNP rs1286992834, ClinGen allele CA341859195.